The following is an entry in ClinVar:

ClinVar aggregate classification (germline): Uncertain significance (1 of 4 stars; one submission).

Conditions:
Developmental and epileptic encephalopathy, 33 (DEE33). Also called: Epileptic encephalopathy, early infantile, 33. Identifiers: Orphanet 442835, MedGen C4225337, MONDO:0014625, OMIM 616409.

Submission:

Institute of Human Genetics, University of Leipzig Medical Center
Classification: Uncertain significance for Developmental and epileptic encephalopathy, 33. Last evaluated: 2023-04-05. Review status: criteria provided, single submitter. Criteria: ACMG Guidelines, 2015. Collection method: clinical testing. Allele origin: unknown. Affected: yes.
Comment: _x000D_ Criteria applied: PM1, PM5, PM2_SUP

NM_001958.5(EEF1A2):c.1145G>C (p.Arg382Pro)

Gene: EEF1A2 (eukaryotic translation elongation factor 1 alpha 2; minus strand). Cytogenetic location: 20q13.33.
Variant type: single nucleotide variant.
Coding change: c.1145G>C on transcript NM_001958.5 (MANE Select); coding-DNA position 1145, G replaced by C.
Protein change: p.Arg382Pro; replaces arginine 382 with proline.
Molecular consequence: missense variant.
Genome position (GRCh38, 1-based): chr20:63,489,037, C>G on the plus strand (G>C on the coding strand, the complement: EEF1A2 is on the minus strand). VCF-style: chr20-63489037-C-G. GRCh37 (hg19) VCF-style: chr20-62120390-C-G.
Other names: short protein forms R382P.
Identifiers: ClinVar variation 2502357 (VCV002502357.1), dbSNP rs2082366333, ClinGen allele CA409644534.